The following is an entry in ClinVar:

NC_000015.10:g.(?_80177527)_(80186219_?)del

Gene: FAH (fumarylacetoacetate hydrolase; plus strand). Cytogenetic location: 15q25.1.
Variant type: Deletion.
Identifiers: ClinVar variation 830521 (VCV000830521.8).

ClinVar aggregate classification (germline): Pathogenic (1 of 4 stars; one submission).

Conditions:
Tyrosinemia type I (TYRSN1). Also called: HEPATORENAL TYROSINEMIA; Tyrosinemia type 1; Fumarylacetoacetase deficiency; Deficiency of fumarylacetoacetase; FAH DEFICIENCY. Identifiers: Orphanet 882, MedGen C0268490, MONDO:0010161, OMIM 276700. Disease mechanism: loss of function.

Submission:

Labcorp Genetics (formerly Invitae), Labcorp
Classification: Pathogenic for Tyrosinemia type I. Last evaluated: 2022-01-05. Review status: criteria provided, single submitter. Criteria: Invitae Variant Classification Sherloc (09022015). Collection method: clinical testing. Allele origin: germline.
Comment: This variant disrupts a region of the FAH protein in which other variant(s) (Deletion (exons 12-14)) have been determined to be pathogenic (PMID: 19569981). This suggests that this is a clinically significant region of the protein, and that variants that disrupt it are likely to be disease-causing. For these reasons, this variant has been classified as Pathogenic. This variant has not been reported in the literature in individuals affected with FAH-related conditions. This variant is a gross deletion of the genomic region encompassing exon(s) 11-14 of the FAH gene, which includes the termination codon. This deletion extends beyond the assayed region for this gene and therefore may encompass additional genes. While this deletion is not anticipated to lead to nonsense mediated decay, it is expected to alter mRNA translation or result in a truncated protein product.

Literature cited by the submitters: PubMed 19569981.